The following is an entry in ClinVar:

NM_032575.3(GLIS2):c.164C>T (p.Pro55Leu)

Gene: GLIS2 (GLIS family zinc finger 2; plus strand). Cytogenetic location: 16p13.3.
Variant type: single nucleotide variant.
Coding change: c.164C>T on transcript NM_032575.3 (MANE Select); coding-DNA position 164, C replaced by T.
Protein change: p.Pro55Leu; replaces proline 55 with leucine.
Molecular consequence: missense variant.
Genome position (GRCh38, 1-based): chr16:4,332,444, C>T. VCF-style: chr16-4332444-C-T. GRCh37 (hg19) VCF-style: chr16-4382445-C-T.
Other names: c.164C>T, p.Pro55Leu (NM_001318918.2); short protein forms P55L.
Identifiers: ClinVar variation 1430984 (VCV001430984.9), dbSNP rs775844299, ClinGen allele CA7872908.
Genomic context (GRCh38, chr16:4,332,444, plus strand): 5'-CTCTGCACAGGGAGCTGGGCCTGGTGGATGACAGCCCCACACCTGGCTCTCCAGGCTCCC[C>T]GCCCTCAGGTACTGGCCCTGGGCAGGGCAGGGGGACTTAGCCCTGATCCAGTCATGGTGA-3'
Protein context (NP_115964.2, residues 45-65): DSPTPGSPGS[Pro55Leu]PSGFLLNSKF

ClinVar aggregate classification (germline): Uncertain significance. Review status: criteria provided, multiple submitters, no conflicts (2 of 4 stars). 2 submissions from 2 submitters: Uncertain significance (2). Last evaluated 2024-04-01.

Conditions:
Nephronophthisis. Also called: Juvenile Nephronophthisis. Identifiers: Orphanet 655, MedGen C0687120, MONDO:0019005, HP:0000090.
Nephronophthisis 7 (NPHP7). Identifiers: Orphanet 655, MedGen C1969092, MONDO:0012680, OMIM 611498.

Allele frequency attached by ClinVar (database versions not stated): gnomAD 0.00002; TOPMed 0.00002; gnomAD exomes 0.00004; ExAC 0.00008.
gnomAD v4.1: 30 of 1,611,416 alleles (0.0019%); highest among the groups gnomAD compares: Non-Finnish European, 0.0022%; no homozygotes.

Submissions (2):

Fulgent Genetics
Classification: Uncertain significance for Nephronophthisis 7. Last evaluated: 2024-04-01. Review status: criteria provided, single submitter. Criteria: ACMG Guidelines, 2015. Collection method: clinical testing. Allele origin: germline.

Labcorp Genetics (formerly Invitae), Labcorp
Classification: Uncertain significance for Nephronophthisis. Last evaluated: 2021-03-09. Review status: criteria provided, single submitter. Criteria: Invitae Variant Classification Sherloc (09022015). Collection method: clinical testing. Allele origin: germline.
Comment: Algorithms developed to predict the effect of missense changes on protein structure and function (SIFT, PolyPhen-2, Align-GVGD) all suggest that this variant is likely to be tolerated, but these predictions have not been confirmed by published functional studies and their clinical significance is uncertain. In summary, the available evidence is currently insufficient to determine the role of this variant in disease. Therefore, it has been classified as a Variant of Uncertain Significance. This variant has not been reported in the literature in individuals with GLIS2-related conditions. This sequence change replaces proline with leucine at codon 55 of the GLIS2 protein (p.Pro55Leu). The proline residue is moderately conserved and there is a moderate physicochemical difference between proline and leucine. This variant is present in population databases (rs775844299, ExAC 0.01%).